The following is an entry in ClinVar:

NM_002772.3(TMPRSS15):c.2062_2063del (p.Asn688fs)

Gene: TMPRSS15 (transmembrane serine protease 15; minus strand). Cytogenetic location: 21q21.1.
Variant type: Deletion.
Coding change: c.2062_2063del on transcript NM_002772.3 (MANE Select); coding-DNA positions 2062 to 2063, 2 bases deleted (AA; older notation c.2062_2063delAA).
Protein change: p.Asn688fs; shifts the reading frame from asparagine 688.
Molecular consequence: frameshift variant.
Genome position (GRCh38, 1-based): chr21:18,313,047-18,313,048, TT deleted on the plus strand (AA on the coding strand, the reverse complement: TMPRSS15 is on the minus strand). VCF-style (leftmost placement, unchanged base first): chr21-18313046-ATT-A. GRCh37 (hg19) VCF-style: chr21-19685363-ATT-A.
Other names: c.2197_2198del, p.Asn733fs (NM_001428056.1); c.2062_2063del, p.Asn688fs (NM_001428057.1); short protein forms N688fs, N733fs.
Identifiers: ClinVar variation 4879521 (VCV004879521.1).

ClinVar aggregate classification (germline): Likely pathogenic (1 of 4 stars; one submission).

Conditions:
Enterokinase deficiency. Also called: ENTEROPEPTIDASE DEFICIENCY; Deficiency of enteropeptidase; Congenital enteropathy due to enteropeptidase deficiency. Identifiers: Orphanet 168601, MedGen C0268416, MONDO:0009173, OMIM 226200.

Submission:

Clinical Genomics Laboratory, Washington University in St. Louis
Classification: Likely pathogenic for Enterokinase deficiency. Last evaluated: 2026-05-04. Review status: criteria provided, single submitter. Criteria: ACMG Guidelines, 2015. Collection method: clinical testing. Allele origin: germline. Affected: yes.
Comment: The TMPRSS15 c.2062_2063del (p.Asn688Trpfs*17) variant, to our knowledge, has not been reported in the medical literature. This variant is only observed in 17/1,613,890 alleles in the general population (gnomAD v4.1.1), indicating it is not a common variant. This variant causes a frameshift by deleting two nucleotides, leading to a premature termination codon, which is predicted to lead to nonsense mediated decay. Based on available information and the ACMG/AMP guidelines for variant interpretation (Richards S et al., PMID: 25741868), this variant is classified as likely pathogenic.